The following is an entry in ClinVar:

NM_000264.5(PTCH1):c.1435_1436del (p.Leu479fs)

Gene: PTCH1 (patched 1; minus strand). Cytogenetic location: 9q22.32.
Variant type: Deletion.
Coding change: c.1435_1436del on transcript NM_000264.5 (MANE Select); coding-DNA positions 1435 to 1436, 2 bases deleted (CT; older notation c.1435_1436delCT).
Protein change: p.Leu479fs; shifts the reading frame from leucine 479.
Molecular consequence: frameshift variant. On other transcripts: non-coding transcript variant (1), intron variant (1).
Genome position (GRCh38, 1-based): chr9:95,477,614-95,477,615, AG deleted on the plus strand (CT on the coding strand, the reverse complement: PTCH1 is on the minus strand). VCF-style (leftmost placement, unchanged base first): chr9-95477613-CAG-C. GRCh37 (hg19) VCF-style: chr9-98239895-CAG-C.
Other names: c.1237_1238del, p.Leu413fs (NM_001083602.3); c.1432_1433del, p.Leu478fs (NM_001083603.3); c.982_983del, p.Leu328fs (NM_001083604.3, NM_001083605.3, NM_001083606.3 and 1 more transcripts); c.1347+440_1347+441del (NM_001354918.2); short protein forms L328fs, L413fs, L478fs, L479fs.
Identifiers: ClinVar variation 2673180 (VCV002673180.23), dbSNP rs2538205186, ClinGen allele CA2695201602.

ClinVar aggregate classification (germline): Pathogenic (1 of 4 stars; one submission).

Submission:

CeGaT Center for Human Genetics Tuebingen
Classification: Pathogenic. Last evaluated: 2023-11-01. Review status: criteria provided, single submitter. Criteria: CeGaT Center For Human Genetics Tuebingen Variant Classification Criteria Version 2. Collection method: clinical testing. Allele origin: germline. Affected: yes. Observed: 1 variant allele.
Comment: PTCH1: PVS1, PS2, PM2